The following is an entry in ClinVar:

ClinVar aggregate classification (germline): Uncertain significance (1 of 4 stars; one submission).

Allele frequency attached by ClinVar (database versions not stated): gnomAD 0.00001; TOPMed 0.00001; gnomAD exomes 0.00002 and 0.00004; ExAC 0.00006.
gnomAD v4.1: 37 of 1,614,078 alleles (0.0023%); highest among the groups gnomAD compares: Non-Finnish European, 0.0031%; no homozygotes.

Submission:

Labcorp Genetics (formerly Invitae), Labcorp
Classification: Uncertain significance. Last evaluated: 2025-04-23. Review status: criteria provided, single submitter. Criteria: Invitae Variant Classification Sherloc (09022015). Collection method: clinical testing. Allele origin: germline.
Comment: This sequence change replaces alanine, which is neutral and non-polar, with glycine, which is neutral and non-polar, at codon 623 of the NFKB1 protein (p.Ala623Gly). This variant is present in population databases (rs774361550, gnomAD 0.008%). This variant has not been reported in the literature in individuals affected with NFKB1-related conditions. ClinVar contains an entry for this variant (Variation ID: 1385889). Invitae Evidence Modeling of protein sequence and biophysical properties (such as structural, functional, and spatial information, amino acid conservation, physicochemical variation, residue mobility, and thermodynamic stability) indicates that this missense variant is expected to disrupt NFKB1 protein function with a positive predictive value of 80%. Algorithms developed to predict the effect of sequence changes on RNA splicing suggest that this variant may create or strengthen a splice site. In summary, the available evidence is currently insufficient to determine the role of this variant in disease. Therefore, it has been classified as a Variant of Uncertain Significance.

NM_003998.4(NFKB1):c.1868C>G (p.Ala623Gly)

Gene: NFKB1 (nuclear factor kappa B subunit 1; plus strand). Cytogenetic location: 4q24.
Variant type: single nucleotide variant.
Coding change: c.1868C>G on transcript NM_003998.4 (MANE Select); coding-DNA position 1868, C replaced by G.
Protein change: p.Ala623Gly; replaces alanine 623 with glycine.
Molecular consequence: missense variant.
Genome position (GRCh38, 1-based): chr4:102,606,611, C>G. VCF-style: chr4-102606611-C-G. GRCh37 (hg19) VCF-style: chr4-103527768-C-G.
Other names: c.1865C>G, p.Ala622Gly (NM_001165412.2, NM_001319226.2, NM_001382627.1); c.1868C>G, p.Ala623Gly (NM_001382625.1, NM_001382626.1); c.1826C>G, p.Ala609Gly (NM_001382628.1); short protein forms A623G, A609G, A622G.
Identifiers: ClinVar variation 1385889 (VCV001385889.8), dbSNP rs774361550, ClinGen allele CA3026268.